The following is an entry in ClinVar:

ClinVar aggregate classification (germline): Uncertain significance (1 of 4 stars; one submission).

Conditions:
Bethlem myopathy 1A. Also called: Bethlem Muscular Dystrophy; MYOPATHY, BENIGN CONGENITAL, WITH CONTRACTURES; Bethlem myopathy 1. Identifiers: Orphanet 610, MedGen CN029274, MONDO:0024530, OMIM 158810.

gnomAD v4.1: 2 of 1,613,788 alleles (0.00012%); highest among the groups gnomAD compares: Admixed American, 0.0033%; no homozygotes.

Submission:

Labcorp Genetics (formerly Invitae), Labcorp
Classification: Uncertain significance for Bethlem myopathy 1A. Last evaluated: 2026-01-24. Review status: criteria provided, single submitter. Criteria: Invitae Variant Classification Sherloc (09022015). Collection method: clinical testing. Allele origin: germline.
Comment: This sequence change replaces glycine, which is neutral and non-polar, with alanine, which is neutral and non-polar, at codon 1845 of the COL6A3 protein (p.Gly1845Ala). This variant is not present in population databases (gnomAD no frequency). This variant has not been reported in the literature in individuals affected with COL6A3-related conditions. ClinVar contains an entry for this variant (Variation ID: 476535). Invitae Evidence Modeling of protein sequence and biophysical properties (such as structural, functional, and spatial information, amino acid conservation, physicochemical variation, residue mobility, and thermodynamic stability) indicates that this missense variant is not expected to disrupt COL6A3 protein function with a negative predictive value of 80%. In summary, the available evidence is currently insufficient to determine the role of this variant in disease. Therefore, it has been classified as a Variant of Uncertain Significance.

NM_004369.4(COL6A3):c.5534G>C (p.Gly1845Ala)

Gene: COL6A3 (collagen type VI alpha 3 chain; minus strand). Cytogenetic location: 2q37.3.
Variant type: single nucleotide variant.
Coding change: c.5534G>C on transcript NM_004369.4 (MANE Select); coding-DNA position 5534, G replaced by C.
Protein change: p.Gly1845Ala; replaces glycine 1845 with alanine.
Molecular consequence: missense variant.
Genome position (GRCh38, 1-based): chr2:237,366,002, C>G on the plus strand (G>C on the coding strand, the complement: COL6A3 is on the minus strand). VCF-style: chr2-237366002-C-G. GRCh37 (hg19) VCF-style: chr2-238274645-C-G.
Other names: c.3713G>C, p.Gly1238Ala (NM_057166.5); c.4916G>C, p.Gly1639Ala (NM_057167.4); short protein forms G1845A, G1238A, G1639A.
Identifiers: ClinVar variation 476535 (VCV000476535.9), dbSNP rs747200439, ClinGen allele CA351186313.